The following is an entry in ClinVar:

NM_001365536.1(SCN9A):c.2923A>T (p.Asn975Tyr)

Genes: SCN1A-AS1 (SCN1A and SCN9A antisense RNA 1; plus strand), SCN9A (sodium voltage-gated channel alpha subunit 9; minus strand). Cytogenetic location: 2q24.3.
Variant type: single nucleotide variant.
Coding change: c.2923A>T on transcript NM_001365536.1 (MANE Select); coding-DNA position 2923, A replaced by T.
Protein change: p.Asn975Tyr; replaces asparagine 975 with tyrosine.
Molecular consequence: missense variant.
Genome position (GRCh38, 1-based): chr2:166,272,827, T>A on the plus strand (A>T on the coding strand, the complement: SCN9A is on the minus strand). VCF-style: chr2-166272827-T-A. GRCh37 (hg19) VCF-style: chr2-167129337-T-A.
Other names: c.2890A>T, p.Asn964Tyr (NM_002977.4); short protein forms N964Y, N975Y.
Identifiers: ClinVar variation 1695435 (VCV001695435.2), dbSNP rs2106461476, ClinGen allele CA349074873.

ClinVar aggregate classification (germline): Uncertain significance (1 of 4 stars; one submission).

Allele frequency attached by ClinVar (database versions not stated): gnomAD exomes below 0.00001.
gnomAD v4.1: 2 of 1,517,056 alleles (0.00013%); highest among the groups gnomAD compares: Non-Finnish European, 0.00018%; no homozygotes.

Submission:

GeneDx
Classification: Uncertain significance. Last evaluated: 2022-07-08. Review status: criteria provided, single submitter. Criteria: GeneDx Variant Classification Process June 2021. Collection method: clinical testing. Allele origin: germline. Affected: yes.
Comment: Not observed at significant frequency in large population cohorts (gnomAD); In silico analysis supports that this missense variant has a deleterious effect on protein structure/function; Has not been previously published as pathogenic or benign to our knowledge